The following is an entry in ClinVar:

NM_000548.5(TSC2):c.1771G>A (p.Val591Ile)

Gene: TSC2 (TSC complex subunit 2; plus strand). Cytogenetic location: 16p13.3.
Variant type: single nucleotide variant.
Coding change: c.1771G>A on transcript NM_000548.5 (MANE Select); coding-DNA position 1771, G replaced by A.
Protein change: p.Val591Ile; replaces valine 591 with isoleucine.
Molecular consequence: missense variant.
Genome position (GRCh38, 1-based): chr16:2,070,510, G>A. VCF-style: chr16-2070510-G-A. GRCh37 (hg19) VCF-style: chr16-2120511-G-A.
Other names: c.1771G>A, p.Val591Ile (NM_001077183.3, NM_001114382.3, NM_001363528.2 and 3 more transcripts); c.1660G>A, p.Val554Ile (NM_001318827.2); c.1624G>A, p.Val542Ile (NM_001318829.2); c.1171G>A, p.Val391Ile (NM_001318831.2); c.1804G>A, p.Val602Ile (NM_001318832.2); short protein forms V591I, V602I, V391I, V542I, V554I.
Identifiers: ClinVar variation 467894 (VCV000467894.11), dbSNP rs984275273, ClinGen allele CA276735673.

ClinVar aggregate classification (germline): Conflicting classifications of pathogenicity. Review status: criteria provided, conflicting classifications (1 of 4 stars). 3 submissions from 3 submitters: Uncertain significance (2); Benign (1). Last evaluated 2023-08-16.

Conditions:
Hereditary cancer-predisposing syndrome. Also called: Hereditary neoplastic syndrome; Neoplastic Syndromes, Hereditary; Tumor predisposition; Hereditary Cancer Syndrome. Identifiers: Orphanet 140162, MedGen C0027672, MeSH D009386, MONDO:0015356.
Tuberous sclerosis syndrome (TSC). Also called: Tuberous Sclerosis Complex; Tuberous sclerosis. Identifiers: Orphanet 805, MedGen C0041341, MONDO:0001734.
Tuberous sclerosis 2 (TSC2). Identifiers: Orphanet 805, MedGen C1860707, MONDO:0013199, OMIM 613254.

Allele frequency attached by ClinVar (database versions not stated): gnomAD exomes below 0.00001; TOPMed 0.00001.
gnomAD v4.1: 1 of 1,613,406 alleles (0.000062%); highest among the groups gnomAD compares: African/African-American, 0.0013%; no homozygotes.

Submissions (3):

Labcorp Genetics (formerly Invitae), Labcorp
Classification: Benign for Tuberous sclerosis 2. Last evaluated: 2023-08-16. Review status: criteria provided, single submitter. Criteria: Invitae Variant Classification Sherloc (09022015). Collection method: clinical testing. Allele origin: germline.

All of Us Research Program, National Institutes of Health
Classification: Uncertain significance for Tuberous sclerosis syndrome. Last evaluated: 2023-06-26. Review status: criteria provided, single submitter. Criteria: ACMG Guidelines, 2015. Collection method: clinical testing. Allele origin: germline. Inheritance: Autosomal dominant inheritance. Observed: 1 variant allele, 1 heterozygote.
Comment: This missense variant replaces valine with isoleucine at codon 591 of the TSC2 protein. Computational prediction suggests that this variant may not impact protein structure and function (internally defined REVEL score threshold <= 0.5, PMID: 27666373). To our knowledge, functional studies have not been reported for this variant. This variant has not been reported in individuals affected with tuberous sclerosis complex in the literature. This variant has been identified in 1/250794 chromosomes in the general population by the Genome Aggregation Database (gnomAD). The available evidence is insufficient to determine the role of this variant in disease conclusively. Therefore, this variant is classified as a Variant of Uncertain Significance.

This study involves interpretation of variants in research participants for the purpose of population health screening. Participant phenotype was not available at the time of variant classification. Additional details can be found in publication PMID: 35346344, PMCID: PMC8962531

Ambry Genetics
Classification: Uncertain significance for Hereditary cancer-predisposing syndrome. Last evaluated: 2023-05-10. Review status: criteria provided, single submitter. Criteria: Ambry Variant Classification Scheme 2023. Collection method: clinical testing. Allele origin: germline.
Comment: The p.V591I variant (also known as c.1771G>A), located in coding exon 16 of the TSC2 gene, results from a G to A substitution at nucleotide position 1771. The valine at codon 591 is replaced by isoleucine, an amino acid with highly similar properties. This amino acid position is not well conserved in available vertebrate species. In addition, this alteration is predicted to be tolerated by in silico analysis. Since supporting evidence is limited at this time, the clinical significance of this alteration remains unclear.